The following is an entry in ClinVar:

NM_012280.4(FTSJ1):c.925G>A (p.Ala309Thr)

Gene: FTSJ1 (FtsJ RNA 2'-O-methyltransferase 1; plus strand). Cytogenetic location: Xp11.23.
Variant type: single nucleotide variant.
Coding change: c.925G>A on transcript NM_012280.4 (MANE Select); coding-DNA position 925, G replaced by A.
Protein change: p.Ala309Thr; replaces alanine 309 with threonine.
Molecular consequence: missense variant.
Genome position (GRCh38, 1-based): chrX:48,482,762, G>A. VCF-style: chrX-48482762-G-A. GRCh37 (hg19) VCF-style: chrX-48341150-G-A.
Other names: c.514G>A, p.Ala172Thr (NM_001282157.2); c.919G>A, p.Ala307Thr (NM_177439.3); short protein forms A172T, A307T, A309T.
Identifiers: ClinVar variation 4070866 (VCV004070866.1).
Genomic context (GRCh38, chrX:48,482,762, plus strand): 5'-GAGATCCGCCCCCAGGACTGCCCCATCAGCAGAGTGGACACGTTTCCCCAGCCCCTGGCC[G>A]CCCCTCAGTGCCACACCCTGCTGGCCCCTGAGGTCTGGAAATGTGACTCTCAGCCTGCCT-3'
Protein context (NP_036412.1, residues 299-319): RVDTFPQPLA[Ala309Thr]PQCHTLLAPE

ClinVar aggregate classification (germline): Uncertain significance (1 of 4 stars; one submission).

gnomAD v4.1: 16 of 1,207,287 alleles (0.0013%); highest among the groups gnomAD compares: East Asian, 0.0089%; no homozygotes.

Submission:

GeneDx
Classification: Uncertain significance. Last evaluated: 2025-01-21. Review status: criteria provided, single submitter. Criteria: GeneDx Variant Classification Process June 2021. Collection method: clinical testing. Allele origin: germline. Affected: yes.
Comment: In silico analysis indicates that this missense variant does not alter protein structure/function; Has not been previously published as pathogenic or benign to our knowledge